The following is an entry in ClinVar:

ClinVar aggregate classification (germline): Uncertain significance. Review status: criteria provided, multiple submitters, no conflicts (2 of 4 stars). 3 submissions from 3 submitters: Uncertain significance (3). Last evaluated 2023-08-09.

Conditions:
Spermatogenic failure 28. Identifiers: MedGen C4748117, MONDO:0054732, OMIM 618086.
Premature ovarian failure 15. Identifiers: MedGen C4748170, MONDO:0054862, OMIM 618096.
Fanconi anemia (FA). Also called: Fanconi's anemia. Identifiers: Orphanet 84, MedGen C0015625, MeSH D005199, MONDO:0019391.

Allele frequency attached by ClinVar (database versions not stated): gnomAD exomes below 0.00001 and 0.00001; ExAC 0.00001; gnomAD 0.00001; TOPMed 0.00003.
gnomAD v4.1: 9 of 1,614,012 alleles (0.00056%); highest among the groups gnomAD compares: African/African-American, 0.004%; no homozygotes.

Submissions (3):

GeneDx
Classification: Uncertain significance. Last evaluated: 2023-08-09. Review status: criteria provided, single submitter. Criteria: GeneDx Variant Classification Process June 2021. Collection method: clinical testing. Allele origin: germline. Affected: yes.
Comment: Not observed at significant frequency in large population cohorts (gnomAD); In silico analysis supports that this missense variant has a deleterious effect on protein structure/function; Has not been previously published as pathogenic or benign to our knowledge

Labcorp Genetics (formerly Invitae), Labcorp
Classification: Uncertain significance for Fanconi anemia. Last evaluated: 2023-04-15. Review status: criteria provided, single submitter. Criteria: Invitae Variant Classification Sherloc (09022015). Collection method: clinical testing. Allele origin: germline.
Comment: In summary, the available evidence is currently insufficient to determine the role of this variant in disease. Therefore, it has been classified as a Variant of Uncertain Significance. An algorithm developed to predict the effect of missense changes on protein structure and function (PolyPhen-2) suggests that this variant is likely to be disruptive. ClinVar contains an entry for this variant (Variation ID: 423993). This variant has not been reported in the literature in individuals affected with FANCM-related conditions. This variant is present in population databases (rs774380823, gnomAD 0.008%). This sequence change replaces alanine, which is neutral and non-polar, with valine, which is neutral and non-polar, at codon 141 of the FANCM protein (p.Ala141Val).

Fulgent Genetics
Classification: Uncertain significance for Spermatogenic failure 28; Premature ovarian failure 15. Last evaluated: 2021-09-29. Review status: criteria provided, single submitter. Criteria: ACMG Guidelines, 2015. Collection method: clinical testing. Allele origin: unknown.

NM_020937.4(FANCM):c.422C>T (p.Ala141Val)

Gene: FANCM (FA complementation group M; plus strand). Cytogenetic location: 14q21.2.
Variant type: single nucleotide variant.
Coding change: c.422C>T on transcript NM_020937.4 (MANE Select); coding-DNA position 422, C replaced by T.
Protein change: p.Ala141Val; replaces alanine 141 with valine.
Molecular consequence: missense variant.
Genome position (GRCh38, 1-based): chr14:45,136,453, C>T. VCF-style: chr14-45136453-C-T. GRCh37 (hg19) VCF-style: chr14-45605656-C-T.
Other names: c.422C>T, p.Ala141Val (NM_001308133.2, NM_001308134.2); short protein forms A141V.
Identifiers: ClinVar variation 423993 (VCV000423993.15), dbSNP rs774380823, ClinGen allele CA7168758.